The following is an entry in ClinVar:

NM_013451.4(MYOF):c.5347C>T (p.Arg1783Trp)

Gene: MYOF (myoferlin; minus strand). Cytogenetic location: 10q23.33.
Variant type: single nucleotide variant.
Coding change: c.5347C>T on transcript NM_013451.4 (MANE Select); coding-DNA position 5347, C replaced by T.
Protein change: p.Arg1783Trp; replaces arginine 1783 with tryptophan.
Molecular consequence: missense variant.
Genome position (GRCh38, 1-based): chr10:93,323,283, G>A on the plus strand (C>T on the coding strand, the complement: MYOF is on the minus strand). VCF-style: chr10-93323283-G-A. GRCh37 (hg19) VCF-style: chr10-95083040-G-A.
Other names: c.5308C>T, p.Arg1770Trp (NM_133337.3); short protein forms R1770W, R1783W.
Identifiers: ClinVar variation 2640687 (VCV002640687.24), dbSNP rs199815755, ClinGen allele CA5606739.

ClinVar aggregate classification (germline): Likely benign (1 of 4 stars; one submission).

Allele frequency attached by ClinVar (database versions not stated): ExAC 0.00095; gnomAD 0.00100; TOPMed 0.00120; gnomAD exomes 0.00182; ESP Exome Variant Server 0.00209.
gnomAD v4.1: 2,797 of 1,614,054 alleles (0.17%); highest among the groups gnomAD compares: Non-Finnish European, 0.22%; 3 homozygotes.

Submission:

CeGaT Center for Human Genetics Tuebingen
Classification: Likely benign. Last evaluated: 2026-04-01. Review status: criteria provided, single submitter. Criteria: CeGaT Center For Human Genetics Tuebingen Variant Classification Criteria Version 2. Collection method: clinical testing. Allele origin: germline. Affected: yes. Observed: 2 variant alleles.
Comment: MYOF: PP3, BS1